The following is an entry in ClinVar:

NM_001128159.3(VPS53):c.1314-19dup

Gene: VPS53 (VPS53 subunit of GARP complex; minus strand). Cytogenetic location: 17p13.3.
Variant type: Duplication.
Coding change: c.1314-19dup on transcript NM_001128159.3 (MANE Select); 19 bases into the intron before coding-DNA position 1314, one base duplicated (T; older notation c.1314-19dupT).
Molecular consequence: intron variant.
Genome position (GRCh38, 1-based): chr17:562,754, A duplicated on the plus strand (T on the coding strand, the reverse complement: VPS53 is on the minus strand); the first of 11 consecutive A bases (chr17:562,754-562,764); duplicating any one gives the same sequence. VCF-style (leftmost placement, unchanged base first): chr17-562753-G-GA. GRCh37 (hg19) VCF-style: chr17-465993-G-GA.
Other names: c.1314-9dupT (NM_001128159.3); c.1227-19dup (NM_018289.4); c.1314-19dup (NM_001366253.2); c.720-19dup (NM_001366254.2).
Identifiers: ClinVar variation 1234128 (VCV001234128.7), dbSNP rs36070043, ClinGen allele CA8261432.

ClinVar aggregate classification (germline): Benign. Review status: criteria provided, multiple submitters, no conflicts (2 of 4 stars). 4 submissions from 4 submitters: Benign (4). Last evaluated 2024-11-28.

Conditions:
Pontocerebellar hypoplasia type 2E. Identifiers: Orphanet 247198, MedGen C4014488, MONDO:0014370, OMIM 615851.

Submissions (4):

Blueprint Genetics
Classification: Benign. Last evaluated: 2024-11-28. Review status: criteria provided, single submitter. Criteria: ACMG Guidelines, 2015. Collection method: clinical testing. Allele origin: germline.

Genome-Nilou Lab
Classification: Benign for Pontocerebellar hypoplasia type 2E. Last evaluated: 2021-12-05. Review status: criteria provided, single submitter. Criteria: ACMG Guidelines, 2015. Collection method: clinical testing. Allele origin: germline. Affected: no.

Molecular Genetics, Royal Melbourne Hospital
Classification: Benign for Pontocerebellar hypoplasia type 2E. Last evaluated: 2021-10-04. Review status: criteria provided, single submitter. Criteria: ACMG Guidelines, 2015. Collection method: clinical testing. Allele origin: germline. Affected: no.
Comment: Population allele frequency of 26.6% (rs36070043; 38,152/143,452 alleles in gnomAD v2.1.1). Based on the classification scheme RMH ACMG Guidelines v1.1.1, this variant is classified as Benign. Following criteria met: BA1.

GeneDx
Classification: Benign. Last evaluated: 2019-08-10. Review status: criteria provided, single submitter. Criteria: GeneDx Variant Classification Process June 2021. Collection method: clinical testing. Allele origin: germline. Affected: yes.